The following is an entry in ClinVar:

NM_017780.4(CHD7):c.2256A>C (p.Arg752Ser)

Gene: CHD7 (chromodomain helicase DNA binding protein 7; plus strand). Cytogenetic location: 8q12.2.
Variant type: single nucleotide variant.
Coding change: c.2256A>C on transcript NM_017780.4 (MANE Select); coding-DNA position 2256, A replaced by C.
Protein change: p.Arg752Ser; replaces arginine 752 with serine.
Molecular consequence: missense variant. On other transcripts: intron variant (1).
Genome position (GRCh38, 1-based): chr8:60,800,405, A>C. VCF-style: chr8-60800405-A-C. GRCh37 (hg19) VCF-style: chr8-61712964-A-C.
Other names: c.1716+19355A>C (NM_001316690.1); short protein forms R752S.
Identifiers: ClinVar variation 4999019 (VCV004999019.1).

ClinVar aggregate classification (germline): Uncertain significance (1 of 4 stars; one submission).

Conditions:
CHD7-related disorder. Also called: CHD7-related condition.

Submission:

PreventionGenetics, part of Exact Sciences
Classification: Uncertain significance for CHD7-related condition. Last evaluated: 2024-11-08. Review status: criteria provided, single submitter. Criteria: ACMG Guidelines, 2015. Collection method: clinical testing. Allele origin: germline.
Comment: The CHD7 c.2256A>C variant is predicted to result in the amino acid substitution p.Arg752Ser. To our knowledge, this variant has not been reported in the literature or in a large population database (gnomAD), indicating this variant is rare. At this time, the clinical significance of this variant is uncertain due to the absence of conclusive functional and genetic evidence.